The following is an entry in ClinVar:

ClinVar aggregate classification (germline): Uncertain significance (1 of 4 stars; one submission).

Conditions:
RPGRIP1L-related disorder. Also called: RPGRIP1L-related condition; RPGRIP1L-related disorders. Identifiers: MedGen CN239416.

gnomAD v4.1: 3 of 1,614,140 alleles (0.00019%); highest among the groups gnomAD compares: Admixed American, 0.0033%; no homozygotes.

Submission:

PreventionGenetics, part of Exact Sciences
Classification: Uncertain significance for RPGRIP1L-related condition. Last evaluated: 2026-04-24. Review status: criteria provided, single submitter. Criteria: ACMG Guidelines, 2015. Collection method: clinical testing. Allele origin: germline.
Comment: The RPGRIP1L c.2069A>G variant is predicted to result in the amino acid substitution p.Tyr690Cys. To our knowledge, this variant has not been reported in the literature. This variant is reported in 0.0058% of alleles in individuals of Latino descent in gnomAD. At this time, the clinical significance of this variant is uncertain due to the absence of conclusive functional and genetic evidence.

NM_015272.5(RPGRIP1L):c.2069A>G (p.Tyr690Cys)

Gene: RPGRIP1L (RPGRIP1 like; minus strand). Cytogenetic location: 16q12.2.
Variant type: single nucleotide variant.
Coding change: c.2069A>G on transcript NM_015272.5 (MANE Select); coding-DNA position 2069, A replaced by G.
Protein change: p.Tyr690Cys; replaces tyrosine 690 with cysteine.
Molecular consequence: missense variant.
Genome position (GRCh38, 1-based): chr16:53,652,618, T>C on the plus strand (A>G on the coding strand, the complement: RPGRIP1L is on the minus strand). VCF-style: chr16-53652618-T-C. GRCh37 (hg19) VCF-style: chr16-53686530-T-C.
Other names: c.2069A>G, p.Tyr690Cys (NM_001127897.4, NM_001308334.3, NM_001330538.2); short protein forms Y690C.
Identifiers: ClinVar variation 4983192 (VCV004983192.1).
Genomic context (GRCh38, chr16:53,652,618, plus strand): 5'-ATTCGGCCGCTTTTTTCAAGAATTTCGTGAAATTTTAATTGACATGCTGCAATTGTTTCA[T>C]ATTCTGTGCTATAAGCCTGGTGGACCTCAAGGGTGATAGTATTCTTCTGAATATATTGCA-3'
Protein context (NP_056087.2, residues 680-700): LEVHQAYSTE[Tyr690Cys]ETIAACQLKF